The following is an entry in ClinVar:

NM_006915.3(RP2):c.768G>C (p.Glu256Asp)

Gene: RP2 (RP2 activator of ARL3 GTPase; plus strand). Cytogenetic location: Xp11.3.
Variant type: single nucleotide variant.
Coding change: c.768G>C on transcript NM_006915.3 (MANE Select); coding-DNA position 768, G replaced by C.
Protein change: p.Glu256Asp; replaces glutamic acid 256 with aspartic acid.
Molecular consequence: missense variant.
Genome position (GRCh38, 1-based): chrX:46,854,141, G>C. VCF-style: chrX-46854141-G-C. GRCh37 (hg19) VCF-style: chrX-46713576-G-C.
Other names: short protein forms E256D.
Identifiers: ClinVar variation 866167 (VCV000866167.12), dbSNP rs1227276668, ClinGen allele CA413040673.

ClinVar aggregate classification (germline): Conflicting classifications of pathogenicity. Review status: criteria provided, conflicting classifications (1 of 4 stars). 5 submissions from 5 submitters: Likely pathogenic (1); Uncertain significance (4). Last evaluated 2024-08-30.

Conditions:
RP2-related disorder. Also called: RP2-related condition.
Retinitis pigmentosa 2 (RP2). Also called: Retinitis pigmentosa 2, X linked. Identifiers: Orphanet 791, MedGen C2681923, MONDO:0010723, OMIM 312600.
Retinal dystrophy. Also called: Inherited retinal dystrophy. Identifiers: Orphanet 71862, MedGen C0854723, MeSH D058499, MONDO:0019118, HP:0000556.

Submissions (5):

Labcorp Genetics (formerly Invitae), Labcorp
Classification: Uncertain significance. Last evaluated: 2024-08-30. Review status: criteria provided, single submitter. Criteria: Invitae Variant Classification Sherloc (09022015). Collection method: clinical testing. Allele origin: germline.
Comment: This sequence change replaces glutamic acid, which is acidic and polar, with aspartic acid, which is acidic and polar, at codon 256 of the RP2 protein (p.Glu256Asp). This variant also falls at the last nucleotide of exon 2, which is part of the consensus splice site for this exon. This variant is not present in population databases (gnomAD no frequency). This missense change has been observed in individual(s) with retinal degeneration and/or retinitis pigmentosa (PMID: 34906470; internal). ClinVar contains an entry for this variant (Variation ID: 866167). An algorithm developed to predict the effect of missense changes on protein structure and function (PolyPhen-2) suggests that this variant is likely to be tolerated. Variants that disrupt the consensus splice site are a relatively common cause of aberrant splicing (PMID: 17576681, 9536098). Algorithms developed to predict the effect of sequence changes on RNA splicing suggest that this variant may disrupt the consensus splice site. In summary, the available evidence is currently insufficient to determine the role of this variant in disease. Therefore, it has been classified as a Variant of Uncertain Significance.

GeneDx
Classification: Uncertain significance. Last evaluated: 2024-02-21. Review status: criteria provided, single submitter. Criteria: GeneDx Variant Classification Process June 2021. Collection method: clinical testing. Allele origin: germline. Affected: yes.
Comment: Not observed at significant frequency in large population cohorts (gnomAD); The last nucleotide of exon variant in a gene for which loss of function is a known mechanism of disease, and both splice predictors and evolutionary conservation support a deleterious effect, although in the absence of functional evidence the actual effect of this sequence change is unknown.; Has not been previously published as pathogenic or benign to our knowledge; This variant is associated with the following publications: (PMID: 34906470)

Dept Of Ophthalmology, Nagoya University
Classification: Uncertain significance for Retinal dystrophy. Last evaluated: 2023-10-01. Review status: criteria provided, single submitter. Criteria: Submitter's publication. Collection method: research. Allele origin: germline. Affected: yes.

Blueprint Genetics
Classification: Likely pathogenic for RP2-related disorders. Last evaluated: 2021-09-03. Review status: criteria provided, single submitter. Criteria: ACMG Guidelines, 2015. Collection method: clinical testing. Allele origin: germline. Affected: yes. Observed: 4 variant alleles.

Ocular Genomics Institute, Massachusetts Eye and Ear
Classification: Uncertain significance for Retinitis pigmentosa 2. Last evaluated: 2021-04-08. Review status: criteria provided, single submitter. Criteria: ACMG Guidelines, 2015. Collection method: research. Allele origin: germline. Affected: yes.
Comment: Through a review of available evidence we were able to apply the following criteria: PM2. Based on this evidence we have classified this variant as Variant of Uncertain Significance.

Literature cited by the submitters: PubMed 34906470 (cited by Labcorp Genetics (formerly Invitae), Labcorp); PubMed 17576681 (cited by Labcorp Genetics (formerly Invitae), Labcorp); PubMed 9536098 (cited by Labcorp Genetics (formerly Invitae), Labcorp).